The following is an entry in ClinVar:

NM_004329.3(BMPR1A):c.319G>A (p.Asp107Asn)

Gene: BMPR1A (bone morphogenetic protein receptor type 1A; plus strand). Cytogenetic location: 10q23.2.
Variant type: single nucleotide variant.
Coding change: c.319G>A on transcript NM_004329.3 (MANE Select); coding-DNA position 319, G replaced by A.
Protein change: p.Asp107Asn; replaces aspartic acid 107 with asparagine.
Molecular consequence: missense variant. On other transcripts: non-coding transcript variant (3).
Genome position (GRCh38, 1-based): chr10:86,892,215, G>A. VCF-style: chr10-86892215-G-A. GRCh37 (hg19) VCF-style: chr10-88651972-G-A.
Other names: c.319G>A, p.Asp107Asn (NM_001406567.1, NM_001406568.1, NM_001406569.1 and 23 more transcripts); c.235G>A, p.Asp79Asn (NM_001406586.1, NM_001406587.1, NM_001406588.1 and 2 more transcripts); short protein forms D107N, D79N.
Identifiers: ClinVar variation 3074384 (VCV003074384.1), dbSNP rs2539446572, ClinGen allele CA377448304.

ClinVar aggregate classification (germline): Uncertain significance (1 of 4 stars; one submission).

Conditions:
Juvenile polyposis syndrome (JPS). Identifiers: Orphanet 2929, MedGen C0345893, MONDO:0017380, OMIM 174900.

Submission:

All of Us Research Program, National Institutes of Health
Classification: Uncertain significance for Juvenile polyposis syndrome. Last evaluated: 2023-11-02. Review status: criteria provided, single submitter. Criteria: ACMG Guidelines, 2015. Collection method: clinical testing. Allele origin: germline. Inheritance: Autosomal dominant inheritance. Observed: 1 variant allele, 1 heterozygote.
Comment: This missense variant replaces aspartic acid with asparagine at codon 107 of the BMPR1A protein. Computational prediction is inconclusive regarding the impact of this variant on protein structure and function (internally defined REVEL score threshold 0.5 < inconclusive < 0.7, PMID: 27666373). To our knowledge, functional studies have not been reported for this variant. This variant has not been reported in individuals affected with BMPR1A-related disorders in the literature. This variant has not been identified in the general population by the Genome Aggregation Database (gnomAD). The available evidence is insufficient to determine the role of this variant in disease conclusively. Therefore, this variant is classified as a Variant of Uncertain Significance.

This study involves interpretation of variants in research participants for the purpose of population health screening. Participant phenotype was not available at the time of variant classification. Additional details can be found in publication PMID: 35346344, PMCID: PMC8962531